The following is an entry in ClinVar:

NM_014679.5(CEP57):c.10G>T (p.Ala4Ser)

Genes: CEP57 (centrosomal protein 57; plus strand), LOC130006618 (ATAC-STARR-seq lymphoblastoid active region 5417; plus strand). Cytogenetic location: 11q21.
Variant type: single nucleotide variant.
Coding change: c.10G>T on transcript NM_014679.5 (MANE Select); coding-DNA position 10, G replaced by T.
Protein change: p.Ala4Ser; replaces alanine 4 with serine.
Molecular consequence: missense variant. On other transcripts: 5 prime UTR variant (2).
Genome position (GRCh38, 1-based): chr11:95,790,708, G>T. VCF-style: chr11-95790708-G-T. GRCh37 (hg19) VCF-style: chr11-95523872-G-T.
Other names: c.-62G>T (NM_001243776.2); c.10G>T, p.Ala4Ser (NM_001243777.2); c.-385G>T (NM_001363604.2); short protein forms A4S.
Identifiers: ClinVar variation 4000990 (VCV004000990.1).

ClinVar aggregate classification (germline): Uncertain significance (1 of 4 stars; one submission).

Conditions:
Inborn genetic diseases. Identifiers: MedGen C0950123, MeSH D030342.

gnomAD v4.1: 1 of 1,613,962 alleles (0.000062%); highest among the groups gnomAD compares: African/African-American, 0.0013%; no homozygotes.

Submission:

Ambry Genetics
Classification: Uncertain significance for Inborn genetic diseases. Last evaluated: 2025-03-28. Review status: criteria provided, single submitter. Criteria: Ambry Variant Classification Scheme 2023. Collection method: clinical testing. Allele origin: germline.
Comment: The p.A4S variant (also known as c.10G>T), located in coding exon 1 of the CEP57 gene, results from a G to T substitution at nucleotide position 10. The alanine at codon 4 is replaced by serine, an amino acid with similar properties. This amino acid position is conserved. In addition, this alteration is predicted to be tolerated by in silico analysis. Based on the available evidence, the clinical significance of this variant remains unclear.